The following is an entry in ClinVar:

ClinVar aggregate classification (germline): Uncertain significance. Review status: criteria provided, multiple submitters, no conflicts (2 of 4 stars). 2 submissions from 2 submitters: Uncertain significance (2). Last evaluated 2023-04-07.

Conditions:
Inborn genetic diseases. Identifiers: MedGen C0950123, MeSH D030342.
Methylmalonic aciduria and homocystinuria type cblF. Also called: VITAMIN B12 LYSOSOMAL RELEASE DEFECT; VITAMIN B12 STORAGE DISEASE; COBALAMIN F DISEASE; COBALAMIN, DEFECT IN LYSOSOMAL RELEASE OF; METHYLMALONIC ACIDEMIA AND HOMOCYSTINURIA, cblF TYPE; METHYLMALONIC ACIDURIA DUE TO VITAMIN B12-RELEASE DEFECT. Identifiers: Orphanet 79284, MedGen C1848578, MONDO:0010183, OMIM 277380.

Allele frequency attached by ClinVar (database versions not stated): ExAC 0.00001.
gnomAD v4.1: 2 of 1,611,308 alleles (0.00012%); highest among the groups gnomAD compares: Non-Finnish European, 0.00017%; no homozygotes.

Submissions (2):

Ambry Genetics
Classification: Uncertain significance for Inborn genetic diseases. Last evaluated: 2023-04-07. Review status: criteria provided, single submitter. Criteria: Ambry Variant Classification Scheme 2023. Collection method: clinical testing. Allele origin: germline.

Labcorp Genetics (formerly Invitae), Labcorp
Classification: Uncertain significance for Methylmalonic aciduria and homocystinuria type cblF. Last evaluated: 2021-12-23. Review status: criteria provided, single submitter. Criteria: Invitae Variant Classification Sherloc (09022015). Collection method: clinical testing. Allele origin: germline.
Comment: This sequence change replaces methionine, which is neutral and non-polar, with threonine, which is neutral and polar, at codon 205 of the LMBRD1 protein (p.Met205Thr). This variant is present in population databases (rs748002041, gnomAD 0.0009%). This variant has not been reported in the literature in individuals affected with LMBRD1-related conditions. Algorithms developed to predict the effect of missense changes on protein structure and function are either unavailable or do not agree on the potential impact of this missense change (SIFT: "Deleterious"; PolyPhen-2: "Benign"; Align-GVGD: "Class C65"). In summary, the available evidence is currently insufficient to determine the role of this variant in disease. Therefore, it has been classified as a Variant of Uncertain Significance.

NM_018368.4(LMBRD1):c.614T>C (p.Met205Thr)

Gene: LMBRD1 (LMBR1 domain containing 1; minus strand). Cytogenetic location: 6q13.
Variant type: single nucleotide variant.
Coding change: c.614T>C on transcript NM_018368.4 (MANE Select); coding-DNA position 614, T replaced by C.
Protein change: p.Met205Thr; replaces methionine 205 with threonine.
Molecular consequence: missense variant.
Genome position (GRCh38, 1-based): chr6:69,737,964, A>G on the plus strand (T>C on the coding strand, the complement: LMBRD1 is on the minus strand). VCF-style: chr6-69737964-A-G. GRCh37 (hg19) VCF-style: chr6-70447856-A-G.
Other names: c.395T>C, p.Met132Thr (NM_001363722.2, NM_001367271.1, NM_001367272.1); c.614T>C (NM_018368.3); short protein forms M205T, M132T.
Identifiers: ClinVar variation 2054642 (VCV002054642.6), dbSNP rs748002041, ClinGen allele CA3879838.
Genomic context (GRCh38, chr6:69,737,964, plus strand): 5'-TAAGGCAATTTTAACTCAATTATCCCCATTTCACTTACTGTGTAAGTTATAGCTGCCAAC[A>G]TTCCAATCAAGGTCAGAGAACTGATAGAAAATGACAATGCAGCTAAACCATCTGTGAAGA-3'
Protein context (NP_060838.3, residues 195-215): FSISSLTLIG[Met205Thr]LAAITYTAYG